The following is an entry in ClinVar:

ClinVar aggregate classification (germline): Uncertain significance (1 of 4 stars; one submission).

Submission:

Labcorp Genetics (formerly Invitae), Labcorp
Classification: Uncertain significance. Last evaluated: 2024-04-03. Review status: criteria provided, single submitter. Criteria: Invitae Variant Classification Sherloc (09022015). Collection method: clinical testing. Allele origin: germline.
Comment: This sequence change replaces lysine, which is basic and polar, with glutamic acid, which is acidic and polar, at codon 648 of the CACNA1D protein (p.Lys648Glu). This variant is not present in population databases (gnomAD no frequency). This variant has not been reported in the literature in individuals affected with CACNA1D-related conditions. Advanced modeling of protein sequence and biophysical properties (such as structural, functional, and spatial information, amino acid conservation, physicochemical variation, residue mobility, and thermodynamic stability) has been performed at Invitae for this missense variant, however the output from this modeling did not meet the statistical confidence thresholds required to predict the impact of this variant on CACNA1D protein function. In summary, the available evidence is currently insufficient to determine the role of this variant in disease. Therefore, it has been classified as a Variant of Uncertain Significance.

NM_001128840.3(CACNA1D):c.1882A>G (p.Lys628Glu)

Gene: CACNA1D (calcium voltage-gated channel subunit alpha1 D; plus strand). Cytogenetic location: 3p21.1.
Variant type: single nucleotide variant.
Coding change: c.1882A>G on transcript NM_001128840.3 (MANE Select); coding-DNA position 1882, A replaced by G.
Protein change: p.Lys628Glu; replaces lysine 628 with glutamic acid.
Molecular consequence: missense variant.
Genome position (GRCh38, 1-based): chr3:53,723,649, A>G. VCF-style: chr3-53723649-A-G. GRCh37 (hg19) VCF-style: chr3-53757676-A-G.
Other names: c.1942A>G, p.Lys648Glu (NM_000720.4); c.1882A>G, p.Lys628Glu (NM_001128839.3); short protein forms K648E, K628E.
Identifiers: ClinVar variation 3648737 (VCV003648737.2).